The following is an entry in ClinVar:

NM_000135.4(FANCA):c.1564A>G (p.Lys522Glu)

Gene: FANCA (FA complementation group A; minus strand). Cytogenetic location: 16q24.3.
Variant type: single nucleotide variant.
Coding change: c.1564A>G on transcript NM_000135.4 (MANE Select); coding-DNA position 1564, A replaced by G.
Protein change: p.Lys522Glu; replaces lysine 522 with glutamic acid.
Molecular consequence: missense variant.
Genome position (GRCh38, 1-based): chr16:89,783,009, T>C on the plus strand (A>G on the coding strand, the complement: FANCA is on the minus strand). VCF-style: chr16-89783009-T-C. GRCh37 (hg19) VCF-style: chr16-89849417-T-C.
Other names: c.1564A>G (LRG_495t1); c.1564A>G, p.Lys522Glu (NM_001286167.3); short protein forms K522E.
Identifiers: ClinVar variation 456081 (VCV000456081.8), dbSNP rs1555554630, ClinGen allele CA397458056.

ClinVar aggregate classification (germline): Uncertain significance (1 of 4 stars; one submission).

Conditions:
Fanconi anemia (FA). Also called: Fanconi's anemia. Identifiers: Orphanet 84, MedGen C0015625, MeSH D005199, MONDO:0019391.

Submission:

Labcorp Genetics (formerly Invitae), Labcorp
Classification: Uncertain significance for Fanconi anemia. Last evaluated: 2017-03-02. Review status: criteria provided, single submitter. Criteria: Invitae Variant Classification Sherloc (09022015). Collection method: clinical testing. Allele origin: germline.
Comment: In summary, this variant is a novel missense change that is not predicted to affect protein function. There is no indication that it causes disease, but the available evidence is currently insufficient to prove that conclusively. Therefore, it has been classified as a Variant of Uncertain Significance. Algorithms developed to predict the effect of missense changes on protein structure and function (SIFT, PolyPhen-2, Align-GVGD) all suggest that this variant is likely to be tolerated, but these predictions have not been confirmed by published functional studies. This variant is not present in population databases (ExAC no frequency) and has not been reported in the literature in individuals with a FANCA-related disease. This sequence change replaces lysine with glutamic acid at codon 522 of the FANCA protein (p.Lys522Glu). The lysine residue is moderately conserved and there is a small physicochemical difference between lysine and glutamic acid.